The following is an entry in ClinVar:

ClinVar aggregate classification (germline): Uncertain significance (1 of 4 stars; one submission).

Conditions:
Inborn genetic diseases. Identifiers: MedGen C0950123, MeSH D030342.

Submission:

Ambry Genetics
Classification: Uncertain significance for Inborn genetic diseases. Last evaluated: 2024-12-09. Review status: criteria provided, single submitter. Criteria: Ambry Variant Classification Scheme 2023. Collection method: clinical testing. Allele origin: germline.
Comment: The p.M916L variant (also known as c.2746A>C), located in coding exon 24 of the ANKRD26 gene, results from an A to C substitution at nucleotide position 2746. The methionine at codon 916 is replaced by leucine, an amino acid with highly similar properties. This amino acid position is conserved. In addition, this alteration is predicted to be tolerated by in silico analysis. Based on the available evidence, the clinical significance of this variant remains unclear.

NM_014915.3(ANKRD26):c.2746A>C (p.Met916Leu)

Gene: ANKRD26 (ankyrin repeat domain containing 26; minus strand). Cytogenetic location: 10p12.1.
Variant type: single nucleotide variant.
Coding change: c.2746A>C on transcript NM_014915.3 (MANE Select); coding-DNA position 2746, A replaced by C.
Protein change: p.Met916Leu; replaces methionine 916 with leucine.
Molecular consequence: missense variant.
Genome position (GRCh38, 1-based): chr10:27,035,704, T>G on the plus strand (A>C on the coding strand, the complement: ANKRD26 is on the minus strand). VCF-style: chr10-27035704-T-G. GRCh37 (hg19) VCF-style: chr10-27324633-T-G.
Other names: c.2743A>C, p.Met915Leu (NM_001256053.2); short protein forms M915L, M916L.
Identifiers: ClinVar variation 3397349 (VCV003397349.1).
Genomic context (GRCh38, chr10:27,035,704, plus strand): 5'-GGTTTTGATTTTTTATTGTGTCTATTTCTAGTCTTAGCATAGCAATTTCTTCCTGCAACA[T>G]GCTATTTTTATGCGATAGGTCTTTTTCTTCTTCATGACTATGAGAATTCTAAGTAAAACA-3'
Protein context (NP_055730.2, residues 906-926): EEKDLSHKNS[Met916Leu]LQEEIAMLRL